The following is an entry in ClinVar:

ClinVar aggregate classification (germline): Pathogenic (1 of 4 stars; one submission).

Conditions:
Inborn genetic diseases. Identifiers: MedGen C0950123, MeSH D030342.

Submission:

Ambry Genetics
Classification: Pathogenic for Inborn genetic diseases. Last evaluated: 2019-12-24. Review status: criteria provided, single submitter. Criteria: Ambry Variant Classification Scheme 2023. Collection method: clinical testing. Allele origin: germline.
Comment: The alteration results in a premature stop codon: _x000D_ _x000D_ The c.1279G>T (p.E427*) alteration, located in exon 9 (coding exon 8) of the VPS13B gene, results from a G to T substitution at nucleotide position 1279. This changes the amino acid from a glutamic acid (E) to a stop codon at amino acid position 427. This alteration is expected to result in loss of function by premature protein truncation or nonsense-mediated mRNA decay. Based on the available evidence, this alteration is classified as pathogenic.

NM_152564.5(VPS13B):c.1279G>T (p.Glu427Ter)

Gene: VPS13B (vacuolar protein sorting 13 homolog B; plus strand). Cytogenetic location: 8q22.2.
Variant type: single nucleotide variant.
Coding change: c.1279G>T on transcript NM_152564.5 (MANE Select); coding-DNA position 1279, G replaced by T.
Protein change: p.Glu427Ter; replaces glutamic acid 427 with a stop codon.
Molecular consequence: nonsense.
Genome position (GRCh38, 1-based): chr8:99,134,704, G>T. VCF-style: chr8-99134704-G-T. GRCh37 (hg19) VCF-style: chr8-100146932-G-T.
Other names: c.1279G>T, p.Glu427Ter (NM_015243.3, NM_017890.5); short protein forms E427*.
Identifiers: ClinVar variation 986013 (VCV000986013.4), dbSNP rs1809981172, ClinGen allele CA371862031.